The following is an entry in ClinVar:

NM_003200.5(TCF3):c.40_42del (p.Lys14del)

Gene: TCF3 (transcription factor 3; minus strand). Cytogenetic location: 19p13.3.
Variant type: Deletion.
Coding change: c.40_42del on transcript NM_003200.5 (MANE Select); coding-DNA positions 40 to 42, 3 bases deleted (AAG; older notation c.40_42delAAG).
Protein change: p.Lys14del; deletes lysine 14.
Molecular consequence: inframe deletion.
Genome position (GRCh38, 1-based): chr19:1,650,207-1,650,209, CTT deleted on the plus strand (AAG on the coding strand, the reverse complement: TCF3 is on the minus strand). VCF-style (leftmost placement, unchanged base first): chr19-1650206-CCTT-C. GRCh37 (hg19) VCF-style: chr19-1650205-CCTT-C.
Other names: c.40_42del, p.Lys14del (NM_001136139.4, NM_001351778.2, NM_001351779.2); short protein forms K14del.
Identifiers: ClinVar variation 1953599 (VCV001953599.5), dbSNP rs1403957029, ClinGen allele CA631275321.
Genomic context (GRCh38, chr19:1,650,206, plus strand): 5'-TGTCGGGGGCTGGGCGGGGGTCCTGGCTCACCATGCTGAAGTCCAGGAGGTCACTGAGCT[CCTT>C]GTCTGTGCCCACAGGCGCCATCCTCTGCGGCTGGTTCATTCTCCTGGGGCCAGGGCGGGC-3'

ClinVar aggregate classification (germline): Uncertain significance (1 of 4 stars; one submission).

Allele frequency attached by ClinVar (database versions not stated): gnomAD 0.00001; gnomAD exomes 0.00001; TOPMed 0.00001.

Submission:

Labcorp Genetics (formerly Invitae), Labcorp
Classification: Uncertain significance. Last evaluated: 2025-12-19. Review status: criteria provided, single submitter. Criteria: Invitae Variant Classification Sherloc (09022015). Collection method: clinical testing. Allele origin: germline.
Comment: This variant, c.40_42del, results in the deletion of 1 amino acid(s) of the TCF3 protein (p.Lys14del), but otherwise preserves the integrity of the reading frame. This variant is present in population databases (no rsID available, gnomAD 0.001%). This variant has not been reported in the literature in individuals affected with TCF3-related conditions. ClinVar contains an entry for this variant (Variation ID: 1953599). Experimental studies and prediction algorithms are not available or were not evaluated, and the functional significance of this variant is currently unknown. In summary, the available evidence is currently insufficient to determine the role of this variant in disease. Therefore, it has been classified as a Variant of Uncertain Significance.